The following is an entry in ClinVar:

ClinVar aggregate classification (germline): Conflicting classifications of pathogenicity. Review status: criteria provided, conflicting classifications (1 of 4 stars). 4 submissions from 4 submitters: Uncertain significance (1); Likely benign (2). 1 of the submissions does not count toward it. Last evaluated 2024-09-11.

Conditions:
SYNE2-related disorder. Also called: SYNE2-related condition.
Emery-Dreifuss muscular dystrophy 5, autosomal dominant (EDMD5). Also called: EMERY-DREIFUSS MUSCULAR DYSTROPHY 5. Identifiers: Orphanet 261, MedGen C2751805, MONDO:0013072, OMIM 612999.

Allele frequency attached by ClinVar (database versions not stated): gnomAD exomes below 0.00001 and 0.00001; TOPMed below 0.00001; gnomAD 0.00001; ExAC 0.00002.
gnomAD v4.1: 16 of 1,613,312 alleles (0.00099%); highest among the groups gnomAD compares: Admixed American, 0.0017%; no homozygotes.

Submissions (4):

Blueprint Genetics
Classification: Likely benign. Last evaluated: 2024-09-11. Review status: criteria provided, single submitter. Criteria: ACMG Guidelines, 2015. Collection method: clinical testing. Allele origin: germline.

Labcorp Genetics (formerly Invitae), Labcorp
Classification: Likely benign for Emery-Dreifuss muscular dystrophy 5, autosomal dominant. Last evaluated: 2023-02-17. Review status: criteria provided, single submitter. Criteria: Invitae Variant Classification Sherloc (09022015). Collection method: clinical testing. Allele origin: germline.

Illumina Laboratory Services, Illumina
Classification: Uncertain significance for Emery-Dreifuss muscular dystrophy 5, autosomal dominant. Last evaluated: 2018-01-13. Review status: criteria provided, single submitter. Criteria: ICSL Variant Classification Criteria 13 December 2019. Collection method: clinical testing. Allele origin: germline.

PreventionGenetics, part of Exact Sciences
Classification: Likely benign for SYNE2-related condition. Last evaluated: 2024-08-30. Review status: no assertion criteria provided. Collection method: clinical testing. Allele origin: germline. Not counted in ClinVar's aggregate classification.
Comment: This variant is classified as likely benign based on ACMG/AMP sequence variant interpretation guidelines (Richards et al. 2015 PMID: 25741868, with internal and published modifications).

NM_182914.3(SYNE2):c.16605+10A>G

Gene: SYNE2 (spectrin repeat containing nuclear envelope protein 2; plus strand). Cytogenetic location: 14q23.2.
Variant type: single nucleotide variant.
Coding change: c.16605+10A>G on transcript NM_182914.3 (MANE Select); 10 bases into the intron after coding-DNA position 16605, A replaced by G.
Molecular consequence: intron variant.
Genome position (GRCh38, 1-based): chr14:64,165,420, A>G. VCF-style: chr14-64165420-A-G. GRCh37 (hg19) VCF-style: chr14-64632138-A-G.
Other names: c.16605+10A>G (NM_015180.6).
Identifiers: ClinVar variation 313626 (VCV000313626.11), dbSNP rs761193543, ClinGen allele CA7223420.